The following is an entry in ClinVar:

ClinVar aggregate classification (germline): Benign. Review status: criteria provided, multiple submitters, no conflicts (2 of 4 stars). 2 submissions from 2 submitters: Benign (2). Last evaluated 2018-01-13.

Conditions:
Arrhythmogenic right ventricular dysplasia 9 (ARVD9). Also called: Arrhythmogenic Right Ventricular Dysplasia/Cardiomyopathy 9; ARRHYTHMOGENIC RIGHT VENTRICULAR DYSPLASIA, FAMILIAL, 9. Identifiers: MedGen C1836906, MONDO:0012180, OMIM 609040.

Allele frequency attached by ClinVar (database versions not stated): gnomAD 0.50233 and 0.50975; gnomAD exomes 0.20000; 1000 Genomes Project 30x 0.36165; 1000 Genomes Project 0.35643; TOPMed 0.48434.
gnomAD v4.1: 76,461 of 152,024 alleles (50%); highest among the groups gnomAD compares: Non-Finnish European, 64%; 21,202 homozygotes.

Submissions (2):

Illumina Laboratory Services, Illumina
Classification: Benign for Arrhythmogenic right ventricular dysplasia 9. Last evaluated: 2018-01-13. Review status: criteria provided, single submitter. Criteria: ICSL Variant Classification Criteria 13 December 2019. Collection method: clinical testing. Allele origin: germline.
Comment: This variant was observed in the ICSL laboratory as part of a predisposition screen in an ostensibly healthy population. It had not been previously curated by ICSL or reported in the Human Gene Mutation Database (HGMD: prior to June 1st, 2018), and was therefore a candidate for classification through an automated scoring system. Utilizing variant allele frequency, disease prevalence and penetrance estimates, and inheritance mode, an automated score was calculated to assess if this variant is too frequent to cause the disease. Based on the score and internal cut-off values, a variant classified as benign is not then subjected to further curation. The score for this variant resulted in a classification of benign for this disease.

Breakthrough Genomics
Classification: Benign. Review status: criteria provided, single submitter. Criteria: ACMG Guidelines, 2015. Collection method: not provided. Allele origin: germline. Inheritance: Autosomal dominant inheritance. Affected: yes.

NM_001005242.3(PKP2):c.*812C>T

Gene: PKP2 (plakophilin 2; minus strand). Cytogenetic location: 12p11.21.
Variant type: single nucleotide variant.
Coding change: c.*812C>T on transcript NM_001005242.3 (MANE Select); 812 bases downstream of the stop codon, C replaced by T.
Molecular consequence: 3 prime UTR variant.
Genome position (GRCh38, 1-based): chr12:32,791,612, G>A on the plus strand (C>T on the coding strand, the complement: PKP2 is on the minus strand). VCF-style: chr12-32791612-G-A. GRCh37 (hg19) VCF-style: chr12-32944546-G-A.
Other names: c.*812C>T (NM_004572.4).
Identifiers: ClinVar variation 308485 (VCV000308485.6), dbSNP rs9394, ClinGen allele CA10641061.